The following is an entry in ClinVar:

NM_031935.3(HMCN1):c.11849G>A (p.Gly3950Glu)

Gene: HMCN1 (hemicentin 1; plus strand). Cytogenetic location: 1q31.1.
Variant type: single nucleotide variant.
Coding change: c.11849G>A on transcript NM_031935.3 (MANE Select); coding-DNA position 11849, G replaced by A.
Protein change: p.Gly3950Glu; replaces glycine 3950 with glutamic acid.
Molecular consequence: missense variant.
Genome position (GRCh38, 1-based): chr1:186,119,191, G>A. VCF-style: chr1-186119191-G-A. GRCh37 (hg19) VCF-style: chr1-186088323-G-A.
Other names: short protein forms G3950E.
Identifiers: ClinVar variation 1963926 (VCV001963926.5), dbSNP rs1450462831, ClinGen allele CA343947113.

ClinVar aggregate classification (germline): Uncertain significance (1 of 4 stars; one submission).

Allele frequency attached by ClinVar (database versions not stated): TOPMed below 0.00001; gnomAD 0.00001; gnomAD exomes 0.00001.
gnomAD v4.1: 7 of 1,609,326 alleles (0.00043%); highest among the groups gnomAD compares: East Asian, 0.013%; no homozygotes.

Submission:

Labcorp Genetics (formerly Invitae), Labcorp
Classification: Uncertain significance. Last evaluated: 2022-11-07. Review status: criteria provided, single submitter. Criteria: Invitae Variant Classification Sherloc (09022015). Collection method: clinical testing. Allele origin: germline.
Comment: Algorithms developed to predict the effect of sequence changes on RNA splicing suggest that this variant may create or strengthen a splice site. In summary, the available evidence is currently insufficient to determine the role of this variant in disease. Therefore, it has been classified as a Variant of Uncertain Significance. Algorithms developed to predict the effect of missense changes on protein structure and function (SIFT, PolyPhen-2, Align-GVGD) all suggest that this variant is likely to be disruptive. This variant has not been reported in the literature in individuals affected with HMCN1-related conditions. This variant is present in population databases (no rsID available, gnomAD 0.02%). This sequence change replaces glycine, which is neutral and non-polar, with glutamic acid, which is acidic and polar, at codon 3950 of the HMCN1 protein (p.Gly3950Glu).